The following is an entry in ClinVar:

ClinVar aggregate classification (germline): Uncertain significance (1 of 4 stars; one submission).

gnomAD v4.1: 1 of 1,614,244 alleles (0.000062%); highest among the groups gnomAD compares: Admixed American, 0.0017%; no homozygotes.

Submission:

GeneDx
Classification: Uncertain significance. Last evaluated: 2024-02-26. Review status: criteria provided, single submitter. Criteria: GeneDx Variant Classification Process June 2021. Collection method: clinical testing. Allele origin: germline. Affected: yes.
Comment: Not observed at significant frequency in large population cohorts (gnomAD); In silico analysis supports that this missense variant has a deleterious effect on protein structure/function; Has not been previously published as pathogenic or benign to our knowledge

NM_000350.3(ABCA4):c.5444T>C (p.Leu1815Ser)

Gene: ABCA4 (ATP binding cassette subfamily A member 4; minus strand). Cytogenetic location: 1p22.1.
Variant type: single nucleotide variant.
Coding change: c.5444T>C on transcript NM_000350.3 (MANE Select); coding-DNA position 5444, T replaced by C.
Protein change: p.Leu1815Ser; replaces leucine 1815 with serine.
Molecular consequence: missense variant.
Genome position (GRCh38, 1-based): chr1:94,014,559, A>G on the plus strand (T>C on the coding strand, the complement: ABCA4 is on the minus strand). VCF-style: chr1-94014559-A-G. GRCh37 (hg19) VCF-style: chr1-94480115-A-G.
Other names: c.5222T>C, p.Leu1741Ser (NM_001425324.1); short protein forms L1741S, L1815S.
Identifiers: ClinVar variation 3369623 (VCV003369623.1).